The following is an entry in ClinVar:

NM_033118.4(MYLK2):c.99G>T (p.Gly33=)

Gene: MYLK2 (myosin light chain kinase 2; plus strand). Cytogenetic location: 20q11.21.
Variant type: single nucleotide variant.
Coding change: c.99G>T on transcript NM_033118.4 (MANE Select); coding-DNA position 99, G replaced by T.
Protein change: p.Gly33=; no amino-acid change (glycine 33 retained).
Molecular consequence: synonymous variant.
Genome position (GRCh38, 1-based): chr20:31,820,172, G>T. VCF-style: chr20-31820172-G-T. GRCh37 (hg19) VCF-style: chr20-30407975-G-T.
Identifiers: ClinVar variation 2155933 (VCV002155933.4), dbSNP rs756949426, ClinGen allele CA510173985.

ClinVar aggregate classification (germline): Uncertain significance (1 of 4 stars; one submission).

Conditions:
Hypertrophic cardiomyopathy 1 (CMH1). Also called: Familial hypertrophic cardiomyopathy 1; MYH7-Related Familial Hypertrophic Cardiomyopathy. Identifiers: MedGen C3495498, MONDO:0008647, OMIM 192600.

Allele frequency attached by ClinVar (database versions not stated): gnomAD 0.00001.
gnomAD v4.1: 2 of 1,613,900 alleles (0.00012%); highest among the groups gnomAD compares: Non-Finnish European, 0.00017%; no homozygotes.

Submission:

Labcorp Genetics (formerly Invitae), Labcorp
Classification: Uncertain significance for Hypertrophic cardiomyopathy 1. Last evaluated: 2023-04-18. Review status: criteria provided, single submitter. Criteria: Invitae Variant Classification Sherloc (09022015). Collection method: clinical testing. Allele origin: germline.
Comment: This sequence change affects codon 33 of the MYLK2 mRNA. It is a 'silent' change, meaning that it does not change the encoded amino acid sequence of the MYLK2 protein. This variant is not present in population databases (gnomAD no frequency). This variant has not been reported in the literature in individuals affected with MYLK2-related conditions. ClinVar contains an entry for this variant (Variation ID: 2155933). Algorithms developed to predict the effect of sequence changes on RNA splicing suggest that this variant may create or strengthen a splice site. In summary, the available evidence is currently insufficient to determine the role of this variant in disease. Therefore, it has been classified as a Variant of Uncertain Significance.